The following is an entry in ClinVar:

ClinVar aggregate classification (germline): Uncertain significance. Review status: criteria provided, multiple submitters, no conflicts (2 of 4 stars). 2 submissions from 2 submitters: Uncertain significance (2). Last evaluated 2023-08-05.

Conditions:
CFTR-related disorder (CFTR-RD). Also called: CFTR-related condition; CFTR-related disorders. Identifiers: MedGen C5924204, MONDO:7770004.
Cystic fibrosis (CF). Also called: MUCOVISCIDOSIS. Identifiers: Orphanet 586, MedGen C0010674, MONDO:0009061, OMIM 219700. Disease mechanism: loss of function.

Submissions (2):

Labcorp Genetics (formerly Invitae), Labcorp
Classification: Uncertain significance for Cystic fibrosis. Last evaluated: 2023-08-05. Review status: criteria provided, single submitter. Criteria: Invitae Variant Classification Sherloc (09022015). Collection method: clinical testing. Allele origin: germline.
Comment: This sequence change replaces aspartic acid, which is acidic and polar, with asparagine, which is neutral and polar, at codon 614 of the CFTR protein (p.Asp614Asn). This variant is not present in population databases (gnomAD no frequency). This variant has not been reported in the literature in individuals affected with CFTR-related conditions. ClinVar contains an entry for this variant (Variation ID: 911313). Advanced modeling of protein sequence and biophysical properties (such as structural, functional, and spatial information, amino acid conservation, physicochemical variation, residue mobility, and thermodynamic stability) performed at Invitae indicates that this missense variant is expected to disrupt CFTR protein function. This variant disrupts the p.Asp614 amino acid residue in CFTR. Other variant(s) that disrupt this residue have been determined to be pathogenic (PMID: 9736778, 12454843, 16478680, 17413420, 21679131). This suggests that this residue is clinically significant, and that variants that disrupt this residue are likely to be disease-causing. In summary, the available evidence is currently insufficient to determine the role of this variant in disease. Therefore, it has been classified as a Variant of Uncertain Significance.

Illumina Laboratory Services, Illumina
Classification: Uncertain significance for CFTR-Related Disorders. Last evaluated: 2017-04-28. Review status: criteria provided, single submitter. Criteria: ICSL Variant Classification Criteria 13 December 2019. Collection method: clinical testing. Allele origin: germline.

Literature cited by the submitters: PubMed 9736778 (cited by Labcorp Genetics (formerly Invitae), Labcorp); PubMed 12454843 (cited by Labcorp Genetics (formerly Invitae), Labcorp); PubMed 16478680 (cited by Labcorp Genetics (formerly Invitae), Labcorp); PubMed 17413420 (cited by Labcorp Genetics (formerly Invitae), Labcorp); PubMed 21679131 (cited by Labcorp Genetics (formerly Invitae), Labcorp).

NM_000492.4(CFTR):c.1840G>A (p.Asp614Asn)

Gene: CFTR (CF transmembrane conductance regulator; plus strand). Cytogenetic location: 7q31.2.
Variant type: single nucleotide variant.
Coding change: c.1840G>A on transcript NM_000492.4 (MANE Select); coding-DNA position 1840, G replaced by A.
Protein change: p.Asp614Asn; replaces aspartic acid 614 with asparagine.
Molecular consequence: missense variant.
Genome position (GRCh38, 1-based): chr7:117,592,007, G>A. VCF-style: chr7-117592007-G-A. GRCh37 (hg19) VCF-style: chr7-117232061-G-A.
Other names: short protein forms D614N.
Identifiers: ClinVar variation 911313 (VCV000911313.7), dbSNP rs397508312, ClinGen allele CA368978302.